The following is an entry in ClinVar:

ClinVar aggregate classification (germline): Likely benign. Review status: criteria provided, single submitter (1 of 4 stars). 2 submissions from 2 submitters: Likely benign (1). 1 of the submissions does not count toward it. Last evaluated 2025-09-22.

Conditions:
BHLHA9-related disorder. Also called: BHLHA9-related condition.

Allele frequency attached by ClinVar (database versions not stated): ExAC below 0.00001; gnomAD exomes 0.00012; 1000 Genomes Project 0.00080; 1000 Genomes Project 30x 0.00094; gnomAD 0.00182 and 0.00192; TOPMed 0.00182.

Submissions (2):

Labcorp Genetics (formerly Invitae), Labcorp
Classification: Likely benign. Last evaluated: 2025-09-22. Review status: criteria provided, single submitter. Criteria: Invitae Variant Classification Sherloc (09022015). Collection method: clinical testing. Allele origin: germline.

PreventionGenetics, part of Exact Sciences
Classification: Likely benign for BHLHA9-related condition. Last evaluated: 2024-07-30. Review status: no assertion criteria provided. Collection method: clinical testing. Allele origin: germline. Not counted in ClinVar's aggregate classification.
Comment: This variant is classified as likely benign based on ACMG/AMP sequence variant interpretation guidelines (Richards et al. 2015 PMID: 25741868, with internal and published modifications).

NM_001164405.2(BHLHA9):c.33G>A (p.Thr11=)

Gene: BHLHA9 (basic helix-loop-helix family member a9; plus strand). Cytogenetic location: 17p13.3.
Variant type: single nucleotide variant.
Coding change: c.33G>A on transcript NM_001164405.2 (MANE Select); coding-DNA position 33, G replaced by A.
Protein change: p.Thr11=; no amino-acid change (threonine 11 retained).
Molecular consequence: synonymous variant.
Genome position (GRCh38, 1-based): chr17:1,270,596, G>A. VCF-style: chr17-1270596-G-A. GRCh37 (hg19) VCF-style: chr17-1173890-G-A.
Identifiers: ClinVar variation 730614 (VCV000730614.10), dbSNP rs545441558, ClinGen allele CA8265799.